The following is an entry in ClinVar:

NM_057175.5(NAA15):c.1426G>A (p.Val476Ile)

Gene: NAA15 (N-alpha-acetyltransferase 15, NatA auxiliary subunit; plus strand). Cytogenetic location: 4q31.1.
Variant type: single nucleotide variant.
Coding change: c.1426G>A on transcript NM_057175.5 (MANE Select); coding-DNA position 1426, G replaced by A.
Protein change: p.Val476Ile; replaces valine 476 with isoleucine.
Molecular consequence: missense variant.
Genome position (GRCh38, 1-based): chr4:139,360,515, G>A. VCF-style: chr4-139360515-G-A. GRCh37 (hg19) VCF-style: chr4-140281669-G-A.
Other names: c.1426G>A, p.Val476Ile (NM_001410842.1); short protein forms V476I.
Identifiers: ClinVar variation 4755591 (VCV004755591.1).

ClinVar aggregate classification (germline): Uncertain significance (1 of 4 stars; one submission).

gnomAD v4.1: 1 of 1,590,706 alleles (0.000063%); highest among the groups gnomAD compares: Non-Finnish European, 0.000085%; no homozygotes.

Submission:

GeneDx
Classification: Uncertain significance. Last evaluated: 2025-08-06. Review status: criteria provided, single submitter. Criteria: GeneDx Variant Classification Process June 2021. Collection method: clinical testing. Allele origin: germline. Affected: yes.
Comment: Has not been previously published as pathogenic or benign to our knowledge; Not observed at significant frequency in large population cohorts (gnomAD); In silico analysis suggests that this missense variant does not alter protein structure/function